The following is an entry in ClinVar:

NM_005045.4(RELN):c.6193G>A (p.Val2065Ile)

Gene: RELN (reelin; minus strand). Cytogenetic location: 7q22.1.
Variant type: single nucleotide variant.
Coding change: c.6193G>A on transcript NM_005045.4 (MANE Select); coding-DNA position 6193, G replaced by A.
Protein change: p.Val2065Ile; replaces valine 2065 with isoleucine.
Molecular consequence: missense variant.
Genome position (GRCh38, 1-based): chr7:103,551,176, C>T on the plus strand (G>A on the coding strand, the complement: RELN is on the minus strand). VCF-style: chr7-103551176-C-T. GRCh37 (hg19) VCF-style: chr7-103191623-C-T.
Other names: c.6193G>A, p.Val2065Ile (NM_173054.3); short protein forms V2065I.
Identifiers: ClinVar variation 167580 (VCV000167580.21), dbSNP rs201627577, ClinGen allele CA234780.

ClinVar aggregate classification (germline): Conflicting classifications of pathogenicity. Review status: criteria provided, conflicting classifications (1 of 4 stars). 6 submissions from 6 submitters: Uncertain significance (3); Likely benign (3). Last evaluated 2026-08-01.

Conditions:
Familial temporal lobe epilepsy 7. Identifiers: Orphanet 101046, MedGen C4225327, MONDO:0014639, OMIM 616436.
Norman-Roberts syndrome (LIS2). Also called: Lissencephaly 2 (Norman-Roberts type). Identifiers: Orphanet 89844, MedGen C0796089, MONDO:0009760, OMIM 257320.
Epilepsy, familial temporal lobe, 1. Identifiers: Orphanet 101046, MedGen CN030884, MONDO:0700090, OMIM 600512.

Allele frequency attached by ClinVar (database versions not stated): gnomAD 0.00011 and 0.00014; gnomAD exomes 0.00007 and 0.00014; TOPMed 0.00008; ExAC 0.00016; 1000 Genomes Project 0.00040; 1000 Genomes Project 30x 0.00047.
gnomAD v4.1: 129 of 1,614,002 alleles (0.008%); highest among the groups gnomAD compares: East Asian, 0.069%; no homozygotes.

Submissions (6):

CeGaT Center for Human Genetics Tuebingen
Classification: Likely benign. Last evaluated: 2026-08-01. Review status: criteria provided, single submitter. Criteria: CeGaT Center For Human Genetics Tuebingen Variant Classification Criteria Version 2. Collection method: clinical testing. Allele origin: germline. Affected: yes. Observed: 1 variant allele.
Comment: RELN: BP4

Labcorp Genetics (formerly Invitae), Labcorp
Classification: Likely benign for Familial temporal lobe epilepsy 7; Norman-Roberts syndrome. Last evaluated: 2026-01-05. Review status: criteria provided, single submitter. Criteria: Invitae Variant Classification Sherloc (09022015). Collection method: clinical testing. Allele origin: germline.

Athena Diagnostics
Classification: Likely benign. Last evaluated: 2025-02-26. Review status: criteria provided, single submitter. Criteria: Athena Diagnostics Criteria. Collection method: clinical testing. Allele origin: unknown.
Comment: The frequency of this variant in the general population is higher than would generally be expected for pathogenic variants in this gene. Computational tools predict this amino acid change may be benign.

Fulgent Genetics
Classification: Uncertain significance for Norman-Roberts syndrome; Epilepsy, familial temporal lobe, 1; Familial temporal lobe epilepsy 7. Last evaluated: 2018-10-31. Review status: criteria provided, single submitter. Criteria: ACMG Guidelines, 2015. Collection method: clinical testing. Allele origin: unknown.

Illumina Laboratory Services, Illumina
Classification: Uncertain significance for Norman-Roberts syndrome. Last evaluated: 2018-01-13. Review status: criteria provided, single submitter. Criteria: ICSL Variant Classification Criteria 13 December 2019. Collection method: clinical testing. Allele origin: germline.

Eurofins Ntd Llc (ga)
Classification: Uncertain significance. Last evaluated: 2014-04-09. Review status: criteria provided, single submitter. Criteria: EGL Classification Definitions 2015. Collection method: clinical testing. Allele origin: germline. Observed: 1 variant allele, 1 heterozygote.

Literature cited by the submitters: PubMed 31440721 (cited by Athena Diagnostics).